The following is an entry in ClinVar:

NM_006129.5(BMP1):c.1678G>A (p.Glu560Lys)

Genes: BMP1 (bone morphogenetic protein 1; plus strand), LOC113788269 (BRD4-independent group 4 enhancer GRCh37_chr8:22052064-22053263; plus strand). Cytogenetic location: 8p21.3.
Variant type: single nucleotide variant.
Coding change: c.1678G>A on transcript NM_006129.5 (MANE Select); coding-DNA position 1678, G replaced by A.
Protein change: p.Glu560Lys; replaces glutamic acid 560 with lysine.
Molecular consequence: missense variant. On other transcripts: non-coding transcript variant (2).
Genome position (GRCh38, 1-based): chr8:22,195,500, G>A. VCF-style: chr8-22195500-G-A. GRCh37 (hg19) VCF-style: chr8-22053013-G-A.
Other names: c.1678G>A, p.Glu560Lys (NM_001199.4); short protein forms E560K.
Identifiers: ClinVar variation 909425 (VCV000909425.11), dbSNP rs373433474, ClinGen allele CA4664760.
Genomic context (GRCh38, chr8:22,195,500, plus strand): 5'-CACCCTTTCCTTCCCACCACAGAGGTGGACGAGTGCTCTCGGCCCAACCGCGGGGGCTGT[G>A]AGCAGCGGTGCCTCAACACCCTGGGCAGCTACAAGTGCAGCTGTGACCCCGGGTACGAGC-3'
Protein context (NP_006120.1, residues 550-570): ECSRPNRGGC[Glu560Lys]QRCLNTLGSY

ClinVar aggregate classification (germline): Uncertain significance. Review status: criteria provided, multiple submitters, no conflicts (2 of 4 stars). 5 submissions from 5 submitters: Uncertain significance (5). Last evaluated 2025-08-05.

Conditions:
Osteogenesis imperfecta type 13. Also called: Osteogenesis imperfecta, type xiii; OI, TYPE XIII. Identifiers: Orphanet 666, MedGen C3553887, MONDO:0013924, OMIM 614856.
Inborn genetic diseases. Identifiers: MedGen C0950123, MeSH D030342.

Allele frequency attached by ClinVar (database versions not stated): gnomAD 0.00001; ExAC 0.00003; gnomAD exomes 0.00003 and 0.00005; TOPMed 0.00004; ESP Exome Variant Server 0.00008.
gnomAD v4.1: 73 of 1,612,266 alleles (0.0045%); highest among the groups gnomAD compares: Non-Finnish European, 0.006%; no homozygotes.

Submissions (5):

Ambry Genetics
Classification: Uncertain significance for Inborn genetic diseases. Last evaluated: 2025-08-05. Review status: criteria provided, single submitter. Criteria: Ambry Variant Classification Scheme 2023. Collection method: clinical testing. Allele origin: germline.

Blueprint Genetics
Classification: Uncertain significance. Last evaluated: 2024-07-30. Review status: criteria provided, single submitter. Criteria: ACMG Guidelines, 2015. Collection method: clinical testing. Allele origin: germline.

Labcorp Genetics (formerly Invitae), Labcorp
Classification: Uncertain significance. Last evaluated: 2022-08-20. Review status: criteria provided, single submitter. Criteria: Invitae Variant Classification Sherloc (09022015). Collection method: clinical testing. Allele origin: germline.
Comment: This sequence change replaces glutamic acid, which is acidic and polar, with lysine, which is basic and polar, at codon 560 of the BMP1 protein (p.Glu560Lys). This variant is present in population databases (rs373433474, gnomAD 0.007%). This variant has not been reported in the literature in individuals affected with BMP1-related conditions. ClinVar contains an entry for this variant (Variation ID: 909425). Algorithms developed to predict the effect of missense changes on protein structure and function (SIFT, PolyPhen-2, Align-GVGD) all suggest that this variant is likely to be tolerated. In summary, the available evidence is currently insufficient to determine the role of this variant in disease. Therefore, it has been classified as a Variant of Uncertain Significance.

GeneDx
Classification: Uncertain significance. Last evaluated: 2022-04-13. Review status: criteria provided, single submitter. Criteria: GeneDx Variant Classification Process June 2021. Collection method: clinical testing. Allele origin: germline. Affected: yes.
Comment: In silico analysis supports that this missense variant has a deleterious effect on protein structure/function; Has not been previously published as pathogenic or benign to our knowledge

Illumina Laboratory Services, Illumina
Classification: Uncertain significance for Osteogenesis imperfecta type 13. Last evaluated: 2017-04-28. Review status: criteria provided, single submitter. Criteria: ICSL Variant Classification Criteria 13 December 2019. Collection method: clinical testing. Allele origin: germline.